The following is an entry in ClinVar:

NM_001127.4(AP1B1):c.2524_2524+3dup

Gene: AP1B1 (adaptor related protein complex 1 subunit beta 1; minus strand). Cytogenetic location: 22q12.2.
Variant type: Duplication.
Coding change: c.2524_2524+3dup on transcript NM_001127.4 (MANE Select); coding-DNA position 2524 through 3 bases into the intron after coding-DNA position 2524, 4 bases duplicated (GGTG; older notation c.2524_2524+3dupGGTG).
Molecular consequence: splice donor variant.
Genome position (GRCh38, 1-based): chr22:29,331,446-29,331,449, CACC duplicated on the plus strand (GGTG on the coding strand, the reverse complement: AP1B1 is on the minus strand); duplicating any 4 consecutive bases within chr22:29,331,446-29,331,451 gives the same sequence; the c. name uses the placement nearest the transcript's 3' end. VCF-style (leftmost placement, unchanged base first): chr22-29331445-T-TCACC. GRCh37 (hg19) VCF-style: chr22-29727434-T-TCACC.
Other names: c.2332_2332+3dup (NM_001378565.1); c.2353_2353+3dup (NM_001378564.1); c.2317_2317+3dup (NM_001378566.1); c.2443_2443+3dup (NM_001166019.2); c.2503_2503+3dup (NM_145730.3, NM_001378563.1); c.2524_2524+3dup (NM_001378562.1).
Identifiers: ClinVar variation 1675880 (VCV001675880.33), dbSNP rs2147931230, ClinGen allele CA2573158070.
Genomic context (GRCh38, chr22:29,331,445, plus strand): 5'-CTTGGCCAGGTTCCCAAGCCACAGCCCCATTTCAGGCACCCCAGCGGGCTCCCTCATGAC[T>TCACC]CACCCATCTTCCCGTCCTCCACAAAGAGGATGTGCAGTGGGTACAAGGTGCTGAAGTAGA-3'

ClinVar aggregate classification (germline): Uncertain significance (1 of 4 stars; one submission).

Submission:

CeGaT Center for Human Genetics Tuebingen
Classification: Uncertain significance. Last evaluated: 2022-03-01. Review status: criteria provided, single submitter. Criteria: CeGaT Center For Human Genetics Tuebingen Variant Classification Criteria Version 2. Collection method: clinical testing. Allele origin: germline. Affected: yes. Observed: 1 variant allele.
Comment: AP1B1: PM2, PP3